The following is an entry in ClinVar:

ClinVar aggregate classification (germline): Uncertain significance (1 of 4 stars; one submission).

Submission:

GeneDx
Classification: Uncertain significance. Last evaluated: 2024-11-22. Review status: criteria provided, single submitter. Criteria: GeneDx Variant Classification Process June 2021. Collection method: clinical testing. Allele origin: germline. Affected: yes.
Comment: Not observed at significant frequency in large population cohorts (gnomAD); In silico analysis supports that this missense variant has a deleterious effect on protein structure/function; Has not been previously published as pathogenic or benign to our knowledge

NM_198503.5(KCNT2):c.1507T>C (p.Tyr503His)

Gene: KCNT2 (potassium sodium-activated channel subfamily T member 2; minus strand). Cytogenetic location: 1q31.3.
Variant type: single nucleotide variant.
Coding change: c.1507T>C on transcript NM_198503.5 (MANE Select); coding-DNA position 1507, T replaced by C.
Protein change: p.Tyr503His; replaces tyrosine 503 with histidine.
Molecular consequence: missense variant. On other transcripts: non-coding transcript variant (2), intron variant (1).
Genome position (GRCh38, 1-based): chr1:196,342,125, A>G on the plus strand (T>C on the coding strand, the complement: KCNT2 is on the minus strand). VCF-style: chr1-196342125-A-G. GRCh37 (hg19) VCF-style: chr1-196311255-A-G.
Other names: c.1507T>C, p.Tyr503His (NM_001287819.3); c.1404-1555T>C (NM_001287820.3); short protein forms Y503H.
Identifiers: ClinVar variation 3900591 (VCV003900591.1).